The following is an entry in ClinVar:

ClinVar aggregate classification (germline): Uncertain significance (1 of 4 stars; one submission).

Submission:

Labcorp Genetics (formerly Invitae), Labcorp
Classification: Uncertain significance. Last evaluated: 2022-06-27. Review status: criteria provided, single submitter. Criteria: Invitae Variant Classification Sherloc (09022015). Collection method: clinical testing. Allele origin: germline.
Comment: This sequence change replaces glutamic acid, which is acidic and polar, with glutamine, which is neutral and polar, at codon 752 of the ESPN protein (p.Glu752Gln). The frequency data for this variant in the population databases is considered unreliable, as metrics indicate poor data quality at this position in the gnomAD database. This variant has not been reported in the literature in individuals affected with ESPN-related conditions. Algorithms developed to predict the effect of missense changes on protein structure and function are either unavailable or do not agree on the potential impact of this missense change (SIFT: "Deleterious"; PolyPhen-2: "Probably Damaging"; Align-GVGD: "Class C0"). In summary, the available evidence is currently insufficient to determine the role of this variant in disease. Therefore, it has been classified as a Variant of Uncertain Significance.

NM_031475.3(ESPN):c.2254G>C (p.Glu752Gln)

Gene: ESPN (espin; plus strand). Cytogenetic location: 1p36.31.
Variant type: single nucleotide variant.
Coding change: c.2254G>C on transcript NM_031475.3 (MANE Select); coding-DNA position 2254, G replaced by C.
Protein change: p.Glu752Gln; replaces glutamic acid 752 with glutamine.
Molecular consequence: missense variant.
Genome position (GRCh38, 1-based): chr1:6,452,025, G>C. VCF-style: chr1-6452025-G-C. GRCh37 (hg19) VCF-style: chr1-6512085-G-C.
Other names: c.2164G>C, p.Glu722Gln (NM_001367473.1); c.2191G>C, p.Glu731Gln (NM_001367474.1); short protein forms E722Q, E731Q, E752Q.
Identifiers: ClinVar variation 1521844 (VCV001521844.6), dbSNP rs781386845, ClinGen allele CA560436.